The following is an entry in ClinVar:

ClinVar aggregate classification (germline): Likely pathogenic (3 of 4 stars; one submission).

Conditions:
Bernard Soulier syndrome (BSS). Also called: GLYCOPROTEIN Ib, PLATELET, DEFICIENCY OF; PLATELET GLYCOPROTEIN Ib DEFICIENCY; VON WILLEBRAND FACTOR RECEPTOR DEFICIENCY; Giant platelet syndrome; Hemorrhagiparous thrombocytic dystrophy; Giant platelet disease. Identifiers: Orphanet 274, MedGen C0005129, MeSH D001606, MONDO:0009276, OMIM 231200.

Submission:

ClinGen Platelet Disorders Variant Curation Expert Panel, ClinGen
Classification: Likely pathogenic for Bernard Soulier syndrome. Last evaluated: 2025-12-16. Review status: reviewed by expert panel. Criteria: ClinGen Platelet ACMG Specifications GP1BA V1.0.0. Collection method: curation. Allele origin: germline. Inheritance: Autosomal recessive inheritance.
Comment: The c.21del (p.Leu8SerfsTer22) variant in GP1BA is a frameshift variant that may cause a premature stop codon that is predicted to escape nonsense mediated decay, however the truncation includes the functionally important transmembrane domain (removes amino acids 532-553) in a gene where loss-of-function is an established disease mechanism (PVS1_Strong). This variant is absent from GnomAD v4.1 (PM2_Supporting). At least one patient (Patient 1 in PMID:29119711) who is homozygous for this variant had aggregation absent for ristocetin and less than 10% expression of GPIb/IX measured by flow cytometry, which is highly specific for Bernard-Soulier syndrome (PP4,PM3_Supporting). In summary, this variant meets the criteria to be classified as likely pathogenic for Bernard-Soulier syndrome. ACMG/AMP criteria applied, as specified by the ClinGen Platelet Disorders VCEP (specifications version 1.0): PVS1_Strong, PM3_Supporting, PM2_Supporting, PP4.

NM_000173.7(GP1BA):c.21del (p.Leu8fs)

Gene: GP1BA (glycoprotein Ib platelet subunit alpha; plus strand). Cytogenetic location: 17p13.2.
Variant type: Deletion.
Coding change: c.21del on transcript NM_000173.7 (MANE Select); coding-DNA position 21, one base deleted (G; older notation c.21delG).
Protein change: p.Leu8fs; shifts the reading frame from leucine 8.
Molecular consequence: frameshift variant.
Genome position (GRCh38, 1-based): chr17:4,932,625, G deleted. VCF-style (leftmost placement, unchanged base first): chr17-4932624-TG-T. GRCh37 (hg19) VCF-style: chr17-4835919-TG-T.
Other names: NM_000173.7:c.21del; short protein forms L8fs.
Identifiers: ClinVar variation 4538997 (VCV004538997.1).